The following is an entry in ClinVar:

ClinVar aggregate classification (germline): Uncertain significance. Review status: criteria provided, multiple submitters, no conflicts (2 of 4 stars). 2 submissions from 2 submitters: Uncertain significance (2). Last evaluated 2025-05-10.

Conditions:
PHIP-related disorder. Also called: PHIP-related disorders; PHIP-related condition.
Inborn genetic diseases. Identifiers: MedGen C0950123, MeSH D030342.

Submissions (2):

PreventionGenetics, part of Exact Sciences
Classification: Uncertain significance for PHIP-related condition. Last evaluated: 2025-05-10. Review status: criteria provided, single submitter. Criteria: ACMG Guidelines, 2015. Collection method: clinical testing. Allele origin: germline.
Comment: The PHIP c.1984G>C variant is predicted to result in the amino acid substitution p.Ala662Pro. To our knowledge, this variant has not been reported in the literature or in a large population database (gnomAD), indicating this variant is rare. At this time, the clinical significance of this variant is uncertain due to the absence of conclusive functional and genetic evidence.

Ambry Genetics
Classification: Uncertain significance for Inborn genetic diseases. Last evaluated: 2024-01-08. Review status: criteria provided, single submitter. Criteria: Ambry Variant Classification Scheme 2023. Collection method: clinical testing. Allele origin: germline.

NM_017934.7(PHIP):c.1984G>C (p.Ala662Pro)

Gene: PHIP (PHIP subunit of CUL4-Ring ligase complex; minus strand). Cytogenetic location: 6q14.1.
Variant type: single nucleotide variant.
Coding change: c.1984G>C on transcript NM_017934.7 (MANE Select); coding-DNA position 1984, G replaced by C.
Protein change: p.Ala662Pro; replaces alanine 662 with proline.
Molecular consequence: missense variant.
Genome position (GRCh38, 1-based): chr6:78,998,287, C>G on the plus strand (G>C on the coding strand, the complement: PHIP is on the minus strand). VCF-style: chr6-78998287-C-G. GRCh37 (hg19) VCF-style: chr6-79708004-C-G.
Other names: c.1984G>C (NM_017934.6); short protein forms A662P.
Identifiers: ClinVar variation 3212208 (VCV003212208.2), dbSNP rs536304988, ClinGen allele CA364630733.